The following is an entry in ClinVar:

NM_020754.4(ARHGAP31):c.482G>C (p.Ser161Thr)

Gene: ARHGAP31 (Rho GTPase activating protein 31; plus strand). Cytogenetic location: 3q13.33.
Variant type: single nucleotide variant.
Coding change: c.482G>C on transcript NM_020754.4 (MANE Select); coding-DNA position 482, G replaced by C.
Protein change: p.Ser161Thr; replaces serine 161 with threonine.
Molecular consequence: missense variant.
Genome position (GRCh38, 1-based): chr3:119,382,342, G>C. VCF-style: chr3-119382342-G-C. GRCh37 (hg19) VCF-style: chr3-119101189-G-C.
Other names: c.482G>C (NM_020754.2); short protein forms S161T.
Identifiers: ClinVar variation 2439151 (VCV002439151.6), dbSNP rs774009946, ClinGen allele CA2553597.

ClinVar aggregate classification (germline): Conflicting classifications of pathogenicity. Review status: criteria provided, conflicting classifications (1 of 4 stars). 3 submissions from 3 submitters: Uncertain significance (2); Likely benign (1). Last evaluated 2025-07-07.

Conditions:
Adams-Oliver syndrome 1 (AOS1). Also called: ABSENCE DEFECT OF LIMBS, SCALP, AND SKULL; CONGENITAL SCALP DEFECTS WITH DISTAL LIMB REDUCTION ANOMALIES; APLASIA CUTIS CONGENITA WITH TERMINAL TRANSVERSE LIMB DEFECTS. Identifiers: Orphanet 974, MedGen C4551482, MONDO:0024506, OMIM 100300.
Inborn genetic diseases. Identifiers: MedGen C0950123, MeSH D030342.

Allele frequency attached by ClinVar (database versions not stated): TOPMed 0.00001; gnomAD 0.00003; ExAC 0.00007.
gnomAD v4.1: 43 of 1,614,066 alleles (0.0027%); highest among the groups gnomAD compares: South Asian, 0.045%; 2 homozygotes.

Submissions (3):

Labcorp Genetics (formerly Invitae), Labcorp
Classification: Uncertain significance. Last evaluated: 2025-07-07. Review status: criteria provided, single submitter. Criteria: Invitae Variant Classification Sherloc (09022015). Collection method: clinical testing. Allele origin: germline.
Comment: This sequence change replaces serine, which is neutral and polar, with threonine, which is neutral and polar, at codon 161 of the ARHGAP31 protein (p.Ser161Thr). This variant is present in population databases (rs774009946, gnomAD 0.03%). This variant has not been reported in the literature in individuals affected with ARHGAP31-related conditions. ClinVar contains an entry for this variant (Variation ID: 2439151). An algorithm developed to predict the effect of missense changes on protein structure and function (PolyPhen-2) suggests that this variant is likely to be disruptive. In summary, the available evidence is currently insufficient to determine the role of this variant in disease. Therefore, it has been classified as a Variant of Uncertain Significance.

Ambry Genetics
Classification: Likely benign for Inborn genetic diseases. Last evaluated: 2023-05-23. Review status: criteria provided, single submitter. Criteria: Ambry Variant Classification Scheme 2023. Collection method: clinical testing. Allele origin: germline.

Revvity Omics, Revvity
Classification: Uncertain significance for Adams-Oliver syndrome 1. Last evaluated: 2019-09-19. Review status: criteria provided, single submitter. Criteria: ACMG Guidelines, 2015. Collection method: clinical testing. Allele origin: germline.